The following is an entry in ClinVar:

ClinVar aggregate classification (germline): Uncertain significance. Review status: criteria provided, multiple submitters, no conflicts (2 of 4 stars). 2 submissions from 2 submitters: Uncertain significance (2). Last evaluated 2026-07-07.

Conditions:
Hereditary cancer-predisposing syndrome. Also called: Hereditary Cancer Syndrome; Hereditary neoplastic syndrome; Neoplastic Syndromes, Hereditary; Tumor predisposition. Identifiers: Orphanet 140162, MedGen C0027672, MeSH D009386, MONDO:0015356.

Submissions (2):

Ambry Genetics
Classification: Uncertain significance for Hereditary cancer-predisposing syndrome. Last evaluated: 2026-07-07. Review status: criteria provided, single submitter. Criteria: Ambry Variant Classification Scheme 2023. Collection method: clinical testing. Allele origin: germline.
Comment: The p.N1544D variant (also known as c.4630A>G), located in coding exon 10 of the BRCA2 gene, results from an A to G substitution at nucleotide position 4630. The asparagine at codon 1544 is replaced by aspartic acid, an amino acid with highly similar properties. This amino acid position is conserved. In addition, this alteration is predicted to be tolerated by in silico analysis. Based on the available evidence, the clinical significance of this variant remains unclear.

Color Diagnostics, LLC DBA Color Health
Classification: Uncertain significance for Hereditary cancer-predisposing syndrome. Last evaluated: 2024-03-06. Review status: criteria provided, single submitter. Criteria: ACMG Guidelines, 2015. Collection method: clinical testing. Allele origin: germline.
Comment: This missense variant replaces asparagine with aspartic acid at codon 1544 of the BRCA2 protein. Computational prediction suggests that this variant may not impact protein structure and function (internally defined REVEL score threshold <= 0.5, PMID: 27666373). To our knowledge, functional studies have not been reported for this variant. This variant has not been reported in individuals affected with hereditary cancer in the literature. This variant has not been identified in the general population by the Genome Aggregation Database (gnomAD). The available evidence is insufficient to determine the role of this variant in disease conclusively. Therefore, this variant is classified as a Variant of Uncertain Significance.

NM_000059.4(BRCA2):c.4630A>G (p.Asn1544Asp)

Gene: BRCA2 (BRCA2 DNA repair associated; plus strand). Cytogenetic location: 13q13.1.
Variant type: single nucleotide variant.
Coding change: c.4630A>G on transcript NM_000059.4 (MANE Select); coding-DNA position 4630, A replaced by G.
Protein change: p.Asn1544Asp; replaces asparagine 1544 with aspartic acid.
Molecular consequence: missense variant. On other transcripts: non-coding transcript variant (1), intron variant (2).
Genome position (GRCh38, 1-based): chr13:32,338,985, A>G. VCF-style: chr13-32338985-A-G. GRCh37 (hg19) VCF-style: chr13-32913122-A-G.
Other names: c.4630A>G, p.Asn1544Asp (NM_001406719.1, NM_001406720.1); c.1910-5573A>G (NM_001406721.1); c.425-5573A>G (NM_001406722.1); short protein forms N1544D.
Identifiers: ClinVar variation 2774914 (VCV002774914.3), dbSNP rs2137508481, ClinGen allele CA387782098.